The following is an entry in ClinVar:

ClinVar aggregate classification (germline): Uncertain significance. Review status: criteria provided, multiple submitters, no conflicts (2 of 4 stars). 2 submissions from 2 submitters: Uncertain significance (2). Last evaluated 2024-10-24.

Conditions:
Myofibrillar myopathy 5. Also called: FILAMINOPATHY, AUTOSOMAL DOMINANT; Filaminopathy (type). Identifiers: Orphanet 171445, MedGen C1836050, MONDO:0012289, OMIM 609524.
Hypertrophic cardiomyopathy 26. Also called: Cardiomyopathy, familial hypertrophic, 26. Identifiers: Orphanet 75249, MedGen C4310749, MONDO:0014883, OMIM 617047.
Distal myopathy with posterior leg and anterior hand involvement. Also called: WILLIAMS DISTAL MYOPATHY. Identifiers: Orphanet 63273, MedGen C3279722, MONDO:0013550, OMIM 614065.
Cardiovascular phenotype. Identifiers: MedGen CN230736.

Allele frequency attached by ClinVar (database versions not stated): TOPMed below 0.00001; gnomAD exomes 0.00001.
gnomAD v4.1: 4 of 1,581,570 alleles (0.00025%); highest among the groups gnomAD compares: Middle Eastern, 0.018%; no homozygotes.

Submissions (2):

Ambry Genetics
Classification: Uncertain significance for Cardiovascular phenotype. Last evaluated: 2024-10-24. Review status: criteria provided, single submitter. Criteria: Ambry Variant Classification Scheme 2023. Collection method: clinical testing. Allele origin: germline.
Comment: The p.P2675S variant (also known as c.8023C>T), located in coding exon 48 of the FLNC gene, results from a C to T substitution at nucleotide position 8023. The proline at codon 2675 is replaced by serine, an amino acid with similar properties. This amino acid position is conserved. In addition, this alteration is predicted to be deleterious by in silico analysis. Based on the available evidence, the clinical significance of this variant remains unclear.

Labcorp Genetics (formerly Invitae), Labcorp
Classification: Uncertain significance for Distal myopathy with posterior leg and anterior hand involvement; Myofibrillar myopathy 5; Hypertrophic cardiomyopathy 26. Last evaluated: 2024-07-19. Review status: criteria provided, single submitter. Criteria: Invitae Variant Classification Sherloc (09022015). Collection method: clinical testing. Allele origin: germline.
Comment: This sequence change replaces proline, which is neutral and non-polar, with serine, which is neutral and polar, at codon 2675 of the FLNC protein (p.Pro2675Ser). This variant is not present in population databases (gnomAD no frequency). This variant has not been reported in the literature in individuals affected with FLNC-related conditions. ClinVar contains an entry for this variant (Variation ID: 1430967). Advanced modeling of protein sequence and biophysical properties (such as structural, functional, and spatial information, amino acid conservation, physicochemical variation, residue mobility, and thermodynamic stability) performed at Invitae indicates that this missense variant is not expected to disrupt FLNC protein function with a negative predictive value of 95%. In summary, the available evidence is currently insufficient to determine the role of this variant in disease. Therefore, it has been classified as a Variant of Uncertain Significance.

NM_001458.5(FLNC):c.8023C>T (p.Pro2675Ser)

Genes: FLNC (filamin C; plus strand), FLNC-AS1 (FLNC antisense RNA 1; minus strand). Cytogenetic location: 7q32.1.
Variant type: single nucleotide variant.
Coding change: c.8023C>T on transcript NM_001458.5 (MANE Select); coding-DNA position 8023, C replaced by T.
Protein change: p.Pro2675Ser; replaces proline 2675 with serine.
Molecular consequence: missense variant.
Genome position (GRCh38, 1-based): chr7:128,858,368, C>T. VCF-style: chr7-128858368-C-T. GRCh37 (hg19) VCF-style: chr7-128498422-C-T.
Other names: c.7924C>T, p.Pro2642Ser (NM_001127487.2); c.8023C>T (NM_001458.4); short protein forms P2675S, P2642S.
Identifiers: ClinVar variation 1430967 (VCV001430967.9), dbSNP rs1563006093, ClinGen allele CA369221207.